The following is an entry in ClinVar:

ClinVar aggregate classification (germline): Uncertain significance (1 of 4 stars; one submission).

Submission:

CeGaT Center for Human Genetics Tuebingen
Classification: Uncertain significance. Last evaluated: 2024-07-01. Review status: criteria provided, single submitter. Criteria: CeGaT Center For Human Genetics Tuebingen Variant Classification Criteria Version 2. Collection method: clinical testing. Allele origin: germline. Affected: yes. Observed: 1 variant allele.
Comment: POMT2: PM2, PM3:Supporting, PP3, PP4

NM_013382.7(POMT2):c.632T>A (p.Val211Asp)

Gene: POMT2 (protein O-mannosyltransferase 2; minus strand). Cytogenetic location: 14q24.3.
Variant type: single nucleotide variant.
Coding change: c.632T>A on transcript NM_013382.7 (MANE Select); coding-DNA position 632, T replaced by A.
Protein change: p.Val211Asp; replaces valine 211 with aspartic acid.
Molecular consequence: missense variant.
Genome position (GRCh38, 1-based): chr14:77,302,859, A>T on the plus strand (T>A on the coding strand, the complement: POMT2 is on the minus strand). VCF-style: chr14-77302859-A-T. GRCh37 (hg19) VCF-style: chr14-77769202-A-T.
Other names: short protein forms V211D.
Identifiers: ClinVar variation 3257441 (VCV003257441.17).
Genomic context (GRCh38, chr14:77,302,859, plus strand): 5'-TTCCAACCCTCCCCTCCCGGGGATGGAGTTTCTGACCTGTCGGCGCAAGAGTTGTACTTG[A>T]CCATGCTCAGCATGGCAGCCATGATGAAGAACATCAGGATGGGGTCAAGGAGGATGTACT-3'
Protein context (NP_037514.2, residues 201-221): FFIMAAMLSM[Val211Asp]KYNSCADRPF